The following is an entry in ClinVar:

NM_000135.4(FANCA):c.2080G>A (p.Asp694Asn)

Gene: FANCA (FA complementation group A; minus strand). Cytogenetic location: 16q24.3.
Variant type: single nucleotide variant.
Coding change: c.2080G>A on transcript NM_000135.4 (MANE Select); coding-DNA position 2080, G replaced by A.
Protein change: p.Asp694Asn; replaces aspartic acid 694 with asparagine.
Molecular consequence: missense variant.
Genome position (GRCh38, 1-based): chr16:89,771,749, C>T on the plus strand (G>A on the coding strand, the complement: FANCA is on the minus strand). VCF-style: chr16-89771749-C-T. GRCh37 (hg19) VCF-style: chr16-89838157-C-T.
Other names: c.2080G>A (LRG_495t1, NM_000135.3); c.2080G>A, p.Asp694Asn (NM_001286167.3); short protein forms D694N.
Identifiers: ClinVar variation 647229 (VCV000647229.41), dbSNP rs201589909, ClinGen allele CA8251920.

ClinVar aggregate classification (germline): Conflicting classifications of pathogenicity. Review status: criteria provided, conflicting classifications (1 of 4 stars). 8 submissions from 8 submitters: Uncertain significance (3); Benign (1); Likely benign (3). 1 of the submissions does not count toward it. Last evaluated 2026-01-24.

Conditions:
Ovarian cancer. Also called: OVARIAN CANCER, SOMATIC. Identifiers: Orphanet 213500, MedGen C1140680, MONDO:0008170, OMIM 167000.
Fanconi anemia complementation group A (FANCA). Also called: Fanconi anemia, group A; FANCA-Related Fanconi Anemia. Identifiers: Orphanet 84, MedGen C3469521, MONDO:0009215, OMIM 227650.
Fanconi anemia (FA). Also called: Fanconi's anemia. Identifiers: Orphanet 84, MedGen C0015625, MeSH D005199, MONDO:0019391.

Allele frequency attached by ClinVar (database versions not stated): gnomAD 0.00005 and 0.00006; gnomAD exomes 0.00005 and 0.00013; TOPMed 0.00011; ExAC 0.00013; 1000 Genomes Project 0.00020; 1000 Genomes Project 30x 0.00031.
gnomAD v4.1: 89 of 1,614,166 alleles (0.0055%); highest among the groups gnomAD compares: East Asian, 0.18%; no homozygotes.

Submissions (8):

Labcorp Genetics (formerly Invitae), Labcorp
Classification: Likely benign for Fanconi anemia. Last evaluated: 2026-01-24. Review status: criteria provided, single submitter. Criteria: Invitae Variant Classification Sherloc (09022015). Collection method: clinical testing. Allele origin: germline.

Fulgent Genetics
Classification: Uncertain significance for Fanconi anemia complementation group A. Last evaluated: 2024-02-21. Review status: criteria provided, single submitter. Criteria: ACMG Guidelines, 2015. Collection method: clinical testing. Allele origin: germline.

Blueprint Genetics
Classification: Uncertain significance. Last evaluated: 2024-01-11. Review status: criteria provided, single submitter. Criteria: ACMG Guidelines, 2015. Collection method: clinical testing. Allele origin: germline.

CeGaT Center for Human Genetics Tuebingen
Classification: Likely benign. Last evaluated: 2023-09-01. Review status: criteria provided, single submitter. Criteria: CeGaT Center For Human Genetics Tuebingen Variant Classification Criteria Version 2. Collection method: clinical testing. Allele origin: germline. Affected: yes. Observed: 1 variant allele.
Comment: FANCA: BP4

Quest Diagnostics Nichols Institute San Juan Capistrano
Classification: Likely benign. Last evaluated: 2022-09-26. Review status: criteria provided, single submitter. Criteria: Quest Diagnostics criteria. Collection method: clinical testing. Allele origin: unknown.

Laboratory of Molecular Epidemiology of Birth Defects, West China Second University Hospital, Sichuan University
Classification: Benign for Ovarian cancer. Last evaluated: 2022-01-01. Review status: criteria provided, single submitter. Criteria: ACMG Guidelines, 2015. Collection method: clinical testing. Allele origin: germline. Affected: yes.

Baylor Genetics
Classification: Uncertain significance for Fanconi anemia complementation group A. Last evaluated: 2020-07-24. Review status: criteria provided, single submitter. Criteria: ACMG Guidelines, 2015. Collection method: clinical testing. Allele origin: unknown. Affected: yes.
Comment: This variant was determined to be of uncertain significance according to ACMG Guidelines, 2015 [PMID:25741868].

Natera, Inc.
Classification: Uncertain significance for Fanconi anemia, group A. Last evaluated: 2020-09-16. Review status: no assertion criteria provided. Collection method: clinical testing. Allele origin: germline. Not counted in ClinVar's aggregate classification.

Literature cited by the submitters: PubMed 29621589 (cited by Quest Diagnostics Nichols Institute San Juan Capistrano).